The following is an entry in ClinVar:

NM_152564.5(VPS13B):c.8995-2A>G

Gene: VPS13B (vacuolar protein sorting 13 homolog B; plus strand). Cytogenetic location: 8q22.2.
Variant type: single nucleotide variant.
Coding change: c.8995-2A>G on transcript NM_152564.5 (MANE Select); the canonical splice acceptor site of the intron before coding-DNA position 8995, A replaced by G.
Molecular consequence: splice acceptor variant.
Genome position (GRCh38, 1-based): chr8:99,821,292, A>G. VCF-style: chr8-99821292-A-G. GRCh37 (hg19) VCF-style: chr8-100833520-A-G.
Other names: c.9070-2A>G (NM_017890.5).
Identifiers: ClinVar variation 554219 (VCV000554219.15), dbSNP rs1554569259, ClinGen allele CA371777693.

ClinVar aggregate classification (germline): Pathogenic/Likely pathogenic. Review status: criteria provided, multiple submitters, no conflicts (2 of 4 stars). 5 submissions from 5 submitters: Pathogenic (1); Likely pathogenic (2). 2 of the submissions do not count toward it. Last evaluated 2023-02-24.

Conditions:
Cohen syndrome (COH1). Also called: Cutis verticis gyrata, retinitis pigmentosa, and sensorineural deafness; PEPPER SYNDROME. Identifiers: Orphanet 193, MedGen C0265223, MONDO:0008999, OMIM 216550.

Allele frequency attached by ClinVar (database versions not stated): gnomAD exomes below 0.00001.
gnomAD v4.1: 3 of 1,613,494 alleles (0.00019%); highest among the groups gnomAD compares: Non-Finnish European, 0.00025%; no homozygotes.

Submissions (5):

Labcorp Genetics (formerly Invitae), Labcorp
Classification: Likely pathogenic for Cohen syndrome. Last evaluated: 2023-02-24. Review status: criteria provided, single submitter. Criteria: Invitae Variant Classification Sherloc (09022015). Collection method: clinical testing. Allele origin: germline.
Comment: This sequence change affects an acceptor splice site in intron 49 of the VPS13B gene. It is expected to disrupt RNA splicing. Variants that disrupt the donor or acceptor splice site typically lead to a loss of protein function (PMID: 16199547), and loss-of-function variants in VPS13B are known to be pathogenic (PMID: 15141358, 16648375, 20461111). This variant is not present in population databases (gnomAD no frequency). This variant has not been reported in the literature in individuals affected with VPS13B-related conditions. ClinVar contains an entry for this variant (Variation ID: 554219). Algorithms developed to predict the effect of sequence changes on RNA splicing suggest that this variant may disrupt the consensus splice site. In summary, the currently available evidence indicates that the variant is pathogenic, but additional data are needed to prove that conclusively. Therefore, this variant has been classified as Likely Pathogenic.

Women's Health and Genetics/Laboratory Corporation of America, LabCorp
Classification: Likely pathogenic for Cohen syndrome. Last evaluated: 2022-08-18. Review status: criteria provided, single submitter. Criteria: LabCorp Variant Classification Summary - May 2015. Collection method: clinical testing. Allele origin: germline.
Comment: Variant summary: VPS13B c.9070-2A>G is located in a canonical splice-site and is predicted to affect mRNA splicing resulting in a significantly altered protein due to either exon skipping, shortening, or inclusion of intronic material. Several computational tools predict a significant impact on normal splicing: Three predict the variant abolishes a 3' acceptor site. Two predict the variant creates a 3' cryptic acceptor site. However, these predictions have yet to be confirmed by functional studies. The variant was absent in 250632 control chromosomes. To our knowledge, no occurrence of c.9070-2A>G in individuals affected with Cohen Syndrome and no experimental evidence demonstrating its impact on protein function have been reported. Four clinical diagnostic laboratories have submitted clinical-significance assessments for this variant to ClinVar after 2014 without evidence for independent evaluation. All laboratories classified the variant as pathogenic/likely pathogenic. Based on the evidence outlined above, the variant was classified as likely pathogenic.

Centre de Biologie Pathologie Génétique, Centre Hospitalier Universitaire de Lille
Classification: Pathogenic for Cohen syndrome. Last evaluated: 2017-01-01. Review status: criteria provided, single submitter. Criteria: ACMG Guidelines, 2015. Collection method: clinical testing. Allele origin: maternal. Affected: yes.

Natera, Inc.
Classification: Likely pathogenic for Cohen syndrome. Last evaluated: 2020-11-17. Review status: no assertion criteria provided. Collection method: clinical testing. Allele origin: germline. Not counted in ClinVar's aggregate classification.

Counsyl
Classification: Likely pathogenic for Cohen syndrome. Last evaluated: 2017-10-03. Review status: no assertion criteria provided. Collection method: clinical testing. Allele origin: unknown. Not counted in ClinVar's aggregate classification.

Literature cited by the submitters: PubMed 16199547 (cited by Labcorp Genetics (formerly Invitae), Labcorp); PubMed 15141358 (cited by Labcorp Genetics (formerly Invitae), Labcorp); PubMed 16648375 (cited by Labcorp Genetics (formerly Invitae), Labcorp); PubMed 20461111 (cited by Labcorp Genetics (formerly Invitae), Labcorp).